The following is an entry in ClinVar:

NM_207361.6(FREM2):c.7477_7478del (p.Leu2493fs)

Gene: FREM2 (FRAS1 related extracellular matrix 2; plus strand). Cytogenetic location: 13q13.3.
Variant type: Deletion.
Coding change: c.7477_7478del on transcript NM_207361.6 (MANE Select); coding-DNA positions 7477 to 7478, 2 bases deleted (CT; older notation c.7477_7478delCT).
Protein change: p.Leu2493fs; shifts the reading frame from leucine 2493.
Molecular consequence: frameshift variant.
Genome position (GRCh38, 1-based): chr13:38,859,548-38,859,549, CT deleted. VCF-style (leftmost placement, unchanged base first): chr13-38859547-CCT-C. GRCh37 (hg19) VCF-style: chr13-39433684-CCT-C.
Other names: short protein forms L2493fs.
Identifiers: ClinVar variation 2104116 (VCV002104116.5), dbSNP rs2541495847, ClinGen allele CA2580087510.
Genomic context (GRCh38, chr13:38,859,547, plus strand): 5'-TCAGCCTGGCTCCCGGGTACAGTGCGCAGCTCGTGCTGTGAACACCAATGGGGATGAAGG[CCT>C]GGAGCTCATGAGCCCTATTGTAACCATCAGCAGAGAAGAAGGTCAGTCATTGCCATTTTC-3'

ClinVar aggregate classification (germline): Pathogenic/Likely pathogenic. Review status: criteria provided, multiple submitters, no conflicts (2 of 4 stars). 2 submissions from 2 submitters: Pathogenic (1); Likely pathogenic (1). Last evaluated 2024-03-20.

Conditions:
Fraser syndrome 2 (FRASRS2). Identifiers: MedGen C4540036, MONDO:0054738, OMIM 617666.
Isolated cryptophthalmia. Also called: Cryptophthalmos, unilateral or bilateral, isolated; ANKYLOBLEPHARON, SIMPLE. Identifiers: Orphanet 91396, MedGen C1852453, MONDO:0007410, OMIM 123570.

Submissions (2):

Fulgent Genetics
Classification: Likely pathogenic for Isolated cryptophthalmia; Fraser syndrome 2. Last evaluated: 2024-03-20. Review status: criteria provided, single submitter. Criteria: ACMG Guidelines, 2015. Collection method: clinical testing. Allele origin: germline.

Labcorp Genetics (formerly Invitae), Labcorp
Classification: Pathogenic. Last evaluated: 2022-04-28. Review status: criteria provided, single submitter. Criteria: Invitae Variant Classification Sherloc (09022015). Collection method: clinical testing. Allele origin: germline.
Comment: This sequence change creates a premature translational stop signal (p.Leu2493Glyfs*32) in the FREM2 gene. It is expected to result in an absent or disrupted protein product. Loss-of-function variants in FREM2 are known to be pathogenic (PMID: 18203166, 26552811). This variant is not present in population databases (gnomAD no frequency). This variant has not been reported in the literature in individuals affected with FREM2-related conditions. For these reasons, this variant has been classified as Pathogenic.

Literature cited by the submitters: PubMed 18203166 (cited by Labcorp Genetics (formerly Invitae), Labcorp); PubMed 26552811 (cited by Labcorp Genetics (formerly Invitae), Labcorp).